The following is an entry in ClinVar:

NM_018979.4(WNK1):c.4816C>G (p.Pro1606Ala)

Gene: WNK1 (WNK lysine deficient protein kinase 1; plus strand). Cytogenetic location: 12p13.33.
Variant type: single nucleotide variant.
Coding change: c.4816C>G on transcript NM_018979.4 (MANE Select); coding-DNA position 4816, C replaced by G.
Protein change: p.Pro1606Ala; replaces proline 1606 with alanine.
Molecular consequence: missense variant.
Genome position (GRCh38, 1-based): chr12:885,620, C>G. VCF-style: chr12-885620-C-G. GRCh37 (hg19) VCF-style: chr12-994786-C-G.
Other names: c.5596C>G, p.Pro1866Ala (NM_001184985.2); c.4075C>G, p.Pro1359Ala (NM_014823.3); c.5572C>G, p.Pro1858Ala (NM_213655.5); short protein forms P1606A, P1858A, P1359A, P1866A.
Identifiers: ClinVar variation 570394 (VCV000570394.12), dbSNP rs375381891, ClinGen allele CA6383036.

ClinVar aggregate classification (germline): Uncertain significance. Review status: criteria provided, multiple submitters, no conflicts (2 of 4 stars). 2 submissions from 2 submitters: Uncertain significance (2). Last evaluated 2025-06-20.

Conditions:
Inborn genetic diseases. Identifiers: MedGen C0950123, MeSH D030342.
Neuropathy, hereditary sensory and autonomic, type 2A (HSAN2A). Also called: HSAN IIA; ACROOSTEOLYSIS, GIACCAI TYPE; ACROOSTEOLYSIS, NEUROGENIC; WNK1-Related HSAN2 (HSAN2A); MORVAN DISEASE; NEUROPATHY, CONGENITAL SENSORY. Identifiers: Orphanet 970, MedGen C2752089, MONDO:0024309, OMIM 201300.
Pseudohypoaldosteronism type 2C (PHA2C). Also called: Pseudohypoaldosteronism Type IIC. Identifiers: Orphanet 757, Orphanet 88940, MedGen C1840391, MONDO:0013778, OMIM 614492.

Allele frequency attached by ClinVar (database versions not stated): gnomAD exomes 0.00002 and 0.00004; TOPMed 0.00003; ExAC 0.00004; gnomAD 0.00005; ESP Exome Variant Server 0.00008.
gnomAD v4.1: 38 of 1,614,072 alleles (0.0024%); highest among the groups gnomAD compares: Non-Finnish European, 0.0031%; 1 homozygote.

Submissions (2):

Labcorp Genetics (formerly Invitae), Labcorp
Classification: Uncertain significance for Neuropathy, hereditary sensory and autonomic, type 2A; Pseudohypoaldosteronism type 2C. Last evaluated: 2025-06-20. Review status: criteria provided, single submitter. Criteria: Invitae Variant Classification Sherloc (09022015). Collection method: clinical testing. Allele origin: germline.
Comment: This sequence change replaces proline, which is neutral and non-polar, with alanine, which is neutral and non-polar, at codon 1858 of the WNK1 protein (p.Pro1858Ala). This variant is present in population databases (rs375381891, gnomAD 0.008%). This variant has not been reported in the literature in individuals affected with WNK1-related conditions. ClinVar contains an entry for this variant (Variation ID: 570394). Invitae Evidence Modeling of protein sequence and biophysical properties (such as structural, functional, and spatial information, amino acid conservation, physicochemical variation, residue mobility, and thermodynamic stability) indicates that this missense variant is not expected to disrupt WNK1 protein function with a negative predictive value of 95%. In summary, the available evidence is currently insufficient to determine the role of this variant in disease. Therefore, it has been classified as a Variant of Uncertain Significance.

Ambry Genetics
Classification: Uncertain significance for Inborn genetic diseases. Last evaluated: 2019-08-29. Review status: criteria provided, single submitter. Criteria: Ambry Variant Classification Scheme 2023. Collection method: clinical testing. Allele origin: germline.
Comment: The p.P1858A variant (also known as c.5572C>G), located in coding exon 19 of the WNK1 gene, results from a C to G substitution at nucleotide position 5572. The proline at codon 1858 is replaced by alanine, an amino acid with highly similar properties. This amino acid position is highly conserved in available vertebrate species. In addition, the in silico prediction for this alteration is inconclusive. Since supporting evidence is limited at this time, the clinical significance of this alteration remains unclear.